The following is an entry in ClinVar:

ClinVar aggregate classification (germline): Pathogenic. Review status: criteria provided, multiple submitters, no conflicts (2 of 4 stars). 2 submissions from 2 submitters: Pathogenic (2). Last evaluated 2026-03-11.

Conditions:
Spastic paraplegia. Identifiers: MedGen C0037772, HP:0001258.
Hereditary spastic paraplegia 15 (SPG15). Also called: SPASTIC PARAPLEGIA AND RETINAL DEGENERATION; SPASTIC PARAPLEGIA 15, AUTOSOMAL RECESSIVE; KJELLIN SYNDROME. Identifiers: Orphanet 100996, MedGen C1849128, MONDO:0010044, OMIM 270700.

Allele frequency attached by ClinVar (database versions not stated): gnomAD exomes 0.00001; ExAC 0.00001.

Submissions (2):

Myriad Genetics, Inc.
Classification: Pathogenic for Hereditary spastic paraplegia 15. Last evaluated: 2026-03-11. Review status: criteria provided, single submitter. Criteria: Myriad Autosomal Dominant, Autosomal Recessive and X-Linked Classification Criteria (2023). Collection method: clinical testing. Allele origin: unknown.
Comment: NM_015346.3(ZFYVE26):c.150dupA(E51Rfs*53) is expected to be pathogenic in the context of spastic paraplegia type 15. This variant is predicted to lead to an abnormal or absent protein product due to the creation of a premature termination codon in ZFYVE26, a gene where loss-of-function variants are known to be pathogenic. Please note: this variant was assessed in the context of healthy population screening.

Labcorp Genetics (formerly Invitae), Labcorp
Classification: Pathogenic for Spastic paraplegia. Last evaluated: 2024-01-04. Review status: criteria provided, single submitter. Criteria: Invitae Variant Classification Sherloc (09022015). Collection method: clinical testing. Allele origin: germline.
Comment: This sequence change creates a premature translational stop signal (p.Glu51Argfs*53) in the ZFYVE26 gene. It is expected to result in an absent or disrupted protein product. Loss-of-function variants in ZFYVE26 are known to be pathogenic (PMID: 18394578, 19805727). This variant is present in population databases (rs754133842, gnomAD 0.01%). This variant has not been reported in the literature in individuals affected with ZFYVE26-related conditions. ClinVar contains an entry for this variant (Variation ID: 954861). Algorithms developed to predict the effect of sequence changes on RNA splicing suggest that this variant may disrupt the consensus splice site. For these reasons, this variant has been classified as Pathogenic.

Literature cited by the submitters: PubMed 18394578 (cited by Labcorp Genetics (formerly Invitae), Labcorp); PubMed 19805727 (cited by Labcorp Genetics (formerly Invitae), Labcorp).

NM_015346.4(ZFYVE26):c.150dup (p.Glu51fs)

Gene: ZFYVE26 (zinc finger FYVE-type containing 26; minus strand). Cytogenetic location: 14q24.1.
Variant type: Duplication.
Coding change: c.150dup on transcript NM_015346.4 (MANE Select); coding-DNA position 150, one base duplicated (A; older notation c.150dupA).
Protein change: p.Glu51fs; shifts the reading frame from glutamic acid 51.
Molecular consequence: frameshift variant.
Genome position (GRCh38, 1-based): chr14:67,815,814, T duplicated on the plus strand (A on the coding strand, the reverse complement: ZFYVE26 is on the minus strand). VCF-style (leftmost placement, unchanged base first): chr14-67815813-C-CT. GRCh37 (hg19) VCF-style: chr14-68282530-C-CT.
Other names: short protein forms E51fs.
Identifiers: ClinVar variation 954861 (VCV000954861.8), dbSNP rs754133842, ClinGen allele CA7240882.